The following is an entry in ClinVar:

NM_016284.5(CNOT1):c.5610C>T (p.Arg1870=)

Gene: CNOT1 (CCR4-NOT transcription complex subunit 1; minus strand). Cytogenetic location: 16q21.
Variant type: single nucleotide variant.
Coding change: c.5610C>T on transcript NM_016284.5 (MANE Select); coding-DNA position 5610, C replaced by T.
Protein change: p.Arg1870=; no amino-acid change (arginine 1870 retained).
Molecular consequence: synonymous variant. On other transcripts: non-coding transcript variant (1).
Genome position (GRCh38, 1-based): chr16:58,537,025, G>A on the plus strand (C>T on the coding strand, the complement: CNOT1 is on the minus strand). VCF-style: chr16-58537025-G-A. GRCh37 (hg19) VCF-style: chr16-58570929-G-A.
Other names: c.5595C>T, p.Arg1865= (NM_001265612.2).
Identifiers: ClinVar variation 2189249 (VCV002189249.28), dbSNP rs775399471, ClinGen allele CA8088868.

ClinVar aggregate classification (germline): Likely benign. Review status: criteria provided, multiple submitters, no conflicts (2 of 4 stars). 2 submissions from 2 submitters: Likely benign (2). Last evaluated 2023-11-27.

Allele frequency attached by ClinVar (database versions not stated): ExAC 0.00002; gnomAD exomes 0.00002; TOPMed 0.00002; gnomAD 0.00003.
gnomAD v4.1: 35 of 1,613,988 alleles (0.0022%); highest among the groups gnomAD compares: African/African-American, 0.004%; no homozygotes.

Submissions (2):

Labcorp Genetics (formerly Invitae), Labcorp
Classification: Likely benign. Last evaluated: 2023-11-27. Review status: criteria provided, single submitter. Criteria: Invitae Variant Classification Sherloc (09022015). Collection method: clinical testing. Allele origin: germline.

CeGaT Center for Human Genetics Tuebingen
Classification: Likely benign. Last evaluated: 2022-06-01. Review status: criteria provided, single submitter. Criteria: CeGaT Center For Human Genetics Tuebingen Variant Classification Criteria Version 2. Collection method: clinical testing. Allele origin: germline. Affected: yes. Observed: 1 variant allele.
Comment: CNOT1: BP4, BP7